The following is an entry in ClinVar:

NM_001130823.3(DNMT1):c.685G>C (p.Val229Leu)

Gene: DNMT1 (DNA methyltransferase 1; minus strand). Cytogenetic location: 19p13.2.
Variant type: single nucleotide variant.
Coding change: c.685G>C on transcript NM_001130823.3 (MANE Select); coding-DNA position 685, G replaced by C.
Protein change: p.Val229Leu; replaces valine 229 with leucine.
Molecular consequence: missense variant.
Genome position (GRCh38, 1-based): chr19:10,173,173, C>G on the plus strand (G>C on the coding strand, the complement: DNMT1 is on the minus strand). VCF-style: chr19-10173173-C-G. GRCh37 (hg19) VCF-style: chr19-10283849-C-G.
Other names: c.637G>C, p.Val213Leu (NM_001318730.2, NM_001379.4); c.322G>C, p.Val108Leu (NM_001318731.2); short protein forms V108L, V213L, V229L.
Identifiers: ClinVar variation 4540315 (VCV004540315.1).

ClinVar aggregate classification (germline): Uncertain significance (1 of 4 stars; one submission).

Submission:

GeneDx
Classification: Uncertain significance. Last evaluated: 2025-06-25. Review status: criteria provided, single submitter. Criteria: GeneDx Variant Classification Process June 2021. Collection method: clinical testing. Allele origin: germline. Affected: yes.
Comment: Not observed at significant frequency in large population cohorts (gnomAD); In silico analysis suggests that this missense variant does not alter protein structure/function; Has not been previously published as pathogenic or benign to our knowledge